The following is an entry in ClinVar:

NM_032856.5(WDR73):c.710dup (p.Gly238fs)

Gene: WDR73 (WD repeat domain 73; minus strand). Cytogenetic location: 15q25.2.
Variant type: Duplication.
Coding change: c.710dup on transcript NM_032856.5 (MANE Select); coding-DNA position 710, one base duplicated (C; older notation c.710dupC).
Protein change: p.Gly238fs; shifts the reading frame from glycine 238.
Molecular consequence: frameshift variant. On other transcripts: non-coding transcript variant (4).
Genome position (GRCh38, 1-based): chr15:84,645,644, G duplicated on the plus strand (C on the coding strand, the reverse complement: WDR73 is on the minus strand); the first of 3 consecutive G bases (chr15:84,645,644-84,645,646); duplicating any one gives the same sequence. VCF-style (leftmost placement, unchanged base first): chr15-84645643-A-AG. GRCh37 (hg19) VCF-style: chr15-85188874-A-AG.
Other names: short protein forms G238fs.
Identifiers: ClinVar variation 803115 (VCV000803115.6), dbSNP rs1282630153, ClinGen allele CA716448072.
Genomic context (GRCh38, chr15:84,645,643, plus strand): 5'-ATCCCGGGGGTCAAGAAGACAAAGACGCCCATCTGAGCCAAGGCTGGCAATGCTGGGCCC[A>AG]GGGCCCTGGCCCCAGCTCCCAACTTCAGCACACCATCTCTCTCCACCAGACCCAGGGCCA-3'

ClinVar aggregate classification (germline): Pathogenic/Likely pathogenic. Review status: criteria provided, multiple submitters, no conflicts (2 of 4 stars). 3 submissions from 3 submitters: Pathogenic (1); Likely pathogenic (2). Last evaluated 2024-10-31.

Conditions:
Galloway-Mowat syndrome 1 (GAMOS1). Identifiers: Orphanet 2065, Orphanet 83472, MedGen C4551772, MONDO:0033005, OMIM 251300.

Submissions (3):

Labcorp Genetics (formerly Invitae), Labcorp
Classification: Pathogenic. Last evaluated: 2024-10-31. Review status: criteria provided, single submitter. Criteria: Invitae Variant Classification Sherloc (09022015). Collection method: clinical testing. Allele origin: germline.
Comment: This sequence change creates a premature translational stop signal (p.Gly238Trpfs*17) in the WDR73 gene. It is expected to result in an absent or disrupted protein product. Loss-of-function variants in WDR73 are known to be pathogenic (PMID: 25466283, 25873735, 26123727). This variant is not present in population databases (gnomAD no frequency). This variant has not been reported in the literature in individuals affected with WDR73-related conditions. ClinVar contains an entry for this variant (Variation ID: 803115). For these reasons, this variant has been classified as Pathogenic.

Laboratorio de Genetica e Diagnostico Molecular, Hospital Israelita Albert Einstein
Classification: Likely pathogenic for Galloway-Mowat syndrome 1. Last evaluated: 2022-09-15. Review status: criteria provided, single submitter. Criteria: ACMG Guidelines, 2015. Collection method: clinical testing. Allele origin: germline. Affected: yes. Observed: 3 variant alleles. Clinical features observed: Visual impairment (HP:0000505), Reduced visual acuity (HP:0007663), Multiple joint contractures (HP:0002828), Generalized dystonia (HP:0007325), Optic neuropathy (HP:0001138), Spastic tetraparesis (HP:0001285), Flexion contracture (HP:0001371), Severely reduced visual acuity (HP:0001141), Dystonic disorder (HP:0001332), Abnormal optic nerve morphology (HP:0000587), Spasticity (HP:0001257), Premature birth (HP:0001622), and 16 more.
Comment: ACMG classification criteria: PVS1 very strong, PM2 moderated

Mendelics
Classification: Likely pathogenic for Galloway-Mowat syndrome 1. Last evaluated: 2019-05-28. Review status: criteria provided, single submitter. Criteria: Mendelics Assertion Criteria 2017. Collection method: clinical testing. Allele origin: unknown.

Literature cited by the submitters: PubMed 25466283 (cited by Labcorp Genetics (formerly Invitae), Labcorp); PubMed 25873735 (cited by Labcorp Genetics (formerly Invitae), Labcorp); PubMed 26123727 (cited by Labcorp Genetics (formerly Invitae), Labcorp).